The following is an entry in ClinVar:

ClinVar aggregate classification (germline): Uncertain significance. Review status: criteria provided, multiple submitters, no conflicts (2 of 4 stars). 6 submissions from 6 submitters: Uncertain significance (6). Last evaluated 2025-12-01.

Conditions:
Epidermolysis bullosa simplex with nail dystrophy (EBS5D). Identifiers: MedGen C4225309, MONDO:0014661, OMIM 616487.
Epidermolysis bullosa simplex 5B, with muscular dystrophy (EBS5B). Also called: Epidermolysis bullosa simplex with muscular dystrophy; EPIDERMOLYSIS BULLOSA SIMPLEX AND LIMB-GIRDLE MUSCULAR DYSTROPHY. Identifiers: Orphanet 257, MedGen C2931072, MONDO:0009181, OMIM 226670.
Autosomal recessive limb-girdle muscular dystrophy type 2Q (LGMDR17). Also called: MUSCULAR DYSTROPHY, LIMB-GIRDLE, AUTOSOMAL RECESSIVE 17. Identifiers: Orphanet 254361, MedGen C3150989, MONDO:0013390, OMIM 613723.
Epidermolysis bullosa simplex 5C, with pyloric atresia (EBS5C). Also called: PLEC1-Related Epidermolysis Bullosa with Pyloric Atresia; PLEC-Related Epidermolysis Bullosa with Pyloric Atresia; Epidermolysis bullosa simplex with pyloric atresia. Identifiers: Orphanet 158684, MedGen C2677349, MONDO:0012807, OMIM 612138.
Junctional epidermolysis bullosa with pyloric atresia. Also called: ITGB4-Related Epidermolysis Bullosa with Pyloric Atresia; Epidermolysis bullosa, junctional, with pyloric atresia and aplasia cutis congenita; Epidermolysis bullosa junctionalis with pyloric atresia; APLASIA CUTIS CONGENITA WITH GASTROINTESTINAL ATRESIA; CARMI SYNDROME; Junctional Epidermolysis Bullosa- Pyloric Atresia Syndrome. Identifiers: Orphanet 79403, MedGen C5676875, MONDO:0009183, OMIM 226730.
Epidermolysis bullosa simplex, Ogna type (EBS5A). Also called: EPIDERMOLYSIS BULLOSA SIMPLEX 5A, OGNA TYPE; Pidermolysis bullosa simplex 5A, Ogna type. Identifiers: Orphanet 79401, MedGen C0432317, MONDO:0007555, OMIM 131950.
Inborn genetic diseases. Identifiers: MedGen C0950123, MeSH D030342.

Allele frequency attached by ClinVar (database versions not stated): TOPMed 0.00001; gnomAD exomes 0.00003; ExAC 0.00005.
gnomAD v4.1: 20 of 1,601,340 alleles (0.0012%); highest among the groups gnomAD compares: Non-Finnish European, 0.0017%; no homozygotes.

Submissions (6):

Labcorp Genetics (formerly Invitae), Labcorp
Classification: Uncertain significance for Autosomal recessive limb-girdle muscular dystrophy type 2Q; Epidermolysis bullosa simplex, Ogna type; Epidermolysis bullosa simplex with nail dystrophy; Epidermolysis bullosa simplex 5C, with pyloric atresia; Epidermolysis bullosa simplex 5B, with muscular dystrophy. Last evaluated: 2025-12-01. Review status: criteria provided, single submitter. Criteria: Invitae Variant Classification Sherloc (09022015). Collection method: clinical testing. Allele origin: germline.
Comment: This sequence change replaces proline, which is neutral and non-polar, with serine, which is neutral and polar, at codon 860 of the PLEC protein (p.Pro860Ser). This variant is present in population databases (rs782532633, gnomAD 0.006%). This variant has not been reported in the literature in individuals affected with PLEC-related conditions. ClinVar contains an entry for this variant (Variation ID: 195655). Invitae Evidence Modeling of protein sequence and biophysical properties (such as structural, functional, and spatial information, amino acid conservation, physicochemical variation, residue mobility, and thermodynamic stability) has been performed for this missense variant. However, the output from this modeling did not meet the statistical confidence thresholds required to predict the impact of this variant on PLEC protein function. In summary, the available evidence is currently insufficient to determine the role of this variant in disease. Therefore, it has been classified as a Variant of Uncertain Significance.

Blueprint Genetics
Classification: Uncertain significance. Last evaluated: 2024-05-03. Review status: criteria provided, single submitter. Criteria: ACMG Guidelines, 2015. Collection method: clinical testing. Allele origin: germline.

Revvity Omics, Revvity
Classification: Uncertain significance. Last evaluated: 2023-06-27. Review status: criteria provided, single submitter. Criteria: ACMG Guidelines, 2015. Collection method: clinical testing. Allele origin: germline.

Ambry Genetics
Classification: Uncertain significance for Inborn genetic diseases. Last evaluated: 2022-11-30. Review status: criteria provided, single submitter. Criteria: Ambry Variant Classification Scheme 2023. Collection method: clinical testing. Allele origin: germline.

Fulgent Genetics
Classification: Uncertain significance for Epidermolysis bullosa simplex, Ogna type; Epidermolysis bullosa simplex 5B, with muscular dystrophy; Junctional epidermolysis bullosa with pyloric atresia; Epidermolysis bullosa simplex 5C, with pyloric atresia; Autosomal recessive limb-girdle muscular dystrophy type 2Q; Epidermolysis bullosa simplex with nail dystrophy. Last evaluated: 2018-10-31. Review status: criteria provided, single submitter. Criteria: ACMG Guidelines, 2015. Collection method: clinical testing. Allele origin: unknown.

Eurofins Ntd Llc (ga)
Classification: Uncertain significance. Last evaluated: 2014-11-14. Review status: criteria provided, single submitter. Criteria: EGL Classification Definitions 2015. Collection method: clinical testing. Allele origin: germline. Observed: 1 variant allele, 1 heterozygote.

NM_201384.3(PLEC):c.2497C>T (p.Pro833Ser)

Gene: PLEC (plectin; minus strand). Cytogenetic location: 8q24.3.
Variant type: single nucleotide variant.
Coding change: c.2497C>T on transcript NM_201384.3 (MANE Select); coding-DNA position 2497, C replaced by T.
Protein change: p.Pro833Ser; replaces proline 833 with serine.
Molecular consequence: missense variant.
Genome position (GRCh38, 1-based): chr8:143,930,259, G>A on the plus strand (C>T on the coding strand, the complement: PLEC is on the minus strand). VCF-style: chr8-143930259-G-A. GRCh37 (hg19) VCF-style: chr8-145004427-G-A.
Other names: c.2578C>T, p.Pro860Ser (NM_000445.5); c.2455C>T, p.Pro819Ser (NM_201378.4); c.2431C>T, p.Pro811Ser (NM_201379.3); c.2908C>T, p.Pro970Ser (NM_201380.4); c.2401C>T, p.Pro801Ser (NM_201381.3); c.2497C>T, p.Pro833Ser (NM_201382.4); c.2509C>T, p.Pro837Ser (NM_201383.3); c.2578C>T (NM_000445.3); short protein forms P801S, P811S, P819S, P833S, P837S, P860S, P970S.
Identifiers: ClinVar variation 195655 (VCV000195655.16), dbSNP rs782532633, ClinGen allele CA242159.